The following is an entry in ClinVar:

ClinVar aggregate classification (germline): Uncertain significance (1 of 4 stars; one submission).

Submission:

GeneDx
Classification: Uncertain significance. Last evaluated: 2026-02-09. Review status: criteria provided, single submitter. Criteria: GeneDx Variant Classification Process June 2021. Collection method: clinical testing. Allele origin: germline.
Comment: Not observed at significant frequency in large population cohorts (gnomAD); In silico analysis suggests that this missense variant does not alter protein structure/function; Occurs in the triple helical domain within an interruption of the canonical Gly-X-Y repeat; Has not been previously published as pathogenic or benign to our knowledge

NM_001846.4(COL4A2):c.802A>G (p.Thr268Ala)

Gene: COL4A2 (collagen type IV alpha 2 chain; plus strand). Cytogenetic location: 13q34.
Variant type: single nucleotide variant.
Coding change: c.802A>G on transcript NM_001846.4 (MANE Select); coding-DNA position 802, A replaced by G.
Protein change: p.Thr268Ala; replaces threonine 268 with alanine.
Molecular consequence: missense variant.
Genome position (GRCh38, 1-based): chr13:110,436,344, A>G. VCF-style: chr13-110436344-A-G. GRCh37 (hg19) VCF-style: chr13-111088691-A-G.
Other names: short protein forms T268A.
Identifiers: ClinVar variation 4975826 (VCV004975826.1).